The following is an entry in ClinVar:

NM_005562.3(LAMC2):c.3454C>T (p.Gln1152Ter)

Gene: LAMC2 (laminin subunit gamma 2; plus strand). Cytogenetic location: 1q25.3.
Variant type: single nucleotide variant.
Coding change: c.3454C>T on transcript NM_005562.3 (MANE Select); coding-DNA position 3454, C replaced by T.
Protein change: p.Gln1152Ter; replaces glutamine 1152 with a stop codon.
Molecular consequence: nonsense.
Genome position (GRCh38, 1-based): chr1:183,243,272, C>T. VCF-style: chr1-183243272-C-T. GRCh37 (hg19) VCF-style: chr1-183212407-C-T.
Other names: short protein forms Q1152*.
Identifiers: ClinVar variation 620535 (VCV000620535.1), dbSNP rs1217053724, ClinGen allele CA343663124.
Genomic context (GRCh38, chr1:183,243,272, plus strand): 5'-ACCCAGATCAACAGCCAACTGCGGCCCATGATGTCAGAGCTGGAAGAGAGGGCACGTCAG[C>T]AGAGGGGCCACCTCCATTTGCTGGAGACAAGCATAGATGGGATTCTGGCTGATGTGAAGA-3'

ClinVar aggregate classification (germline): Pathogenic/Likely pathogenic. Review status: criteria provided, multiple submitters, no conflicts (2 of 4 stars). 2 submissions from 2 submitters: Pathogenic (1); Likely pathogenic (1). Last evaluated 2019-01-04.

Conditions:
Junctional epidermolysis bullosa gravis of Herlitz. Also called: EPIDERMOLYSIS BULLOSA, JUNCTIONAL 1B, SEVERE; JEB-HERLITZ TYPE; Herlitz-type junctional epidermolysis bullosa; EPIDERMOLYSIS BULLOSA JUNCTIONALIS, HERLITZ TYPE; EPIDERMOLYSIS BULLOSA, JUNCTIONAL, HERLITZ-PEARSON TYPE; Epidermolysis Bullosa Letalis. Identifiers: Orphanet 79404, MedGen C0079683, MONDO:0009182, OMIM 226700.
Junctional epidermolysis bullosa, non-Herlitz type. Also called: EPIDERMOLYSIS BULLOSA, JUNCTIONAL 1A, INTERMEDIATE; COL17A1-Related Junctional Epidermolysis Bullosa; Epidermolysis bullosa, junctional, non-herlitz type, somatic mosaic revertant; EPIDERMOLYSIS BULLOSA JUNCTIONALIS, DISENTIS TYPE; EPIDERMOLYSIS BULLOSA JUNCTIONALIS, NON-HERLITZ TYPE; EPIDERMOLYSIS BULLOSA JUNCTIONALIS, PROGRESSIVE. Identifiers: Orphanet 251393, Orphanet 79402, Orphanet 79405, Orphanet 89840, MedGen C0268374, MONDO:0009180, OMIM 226650.

Allele frequency attached by ClinVar (database versions not stated): gnomAD 0.00001; TOPMed 0.00001.
gnomAD v4.1: 2 of 1,614,078 alleles (0.00012%); highest among the groups gnomAD compares: African/African-American, 0.0027%; no homozygotes.

Submissions (2):

GeneDx
Classification: Pathogenic. Last evaluated: 2019-01-04. Review status: criteria provided, single submitter. Criteria: GeneDx Variant Classification (06012015). Collection method: clinical testing. Allele origin: germline. Affected: yes.
Comment: The Q1152X variant in the LAMC2 gene has not been reported previously as a pathogenic variant, nor as a benign variant, to our knowledge. This variant is predicted to cause loss of normal protein function through protein truncation. The Q1152X variant is observed in 1/8,728 (0.012%) alleles from individuals of African background in large population cohorts (Lek et al., 2016). We interpret Q1152X as a pathogenic variant.

Molecular Diagnostics Laboratory, M Health Fairview: University of Minnesota
Classification: Likely pathogenic for Junctional epidermolysis bullosa gravis of Herlitz; Junctional epidermolysis bullosa, non-Herlitz type. Last evaluated: 2018-10-11. Review status: criteria provided, single submitter. Criteria: ACMG Guidelines, 2015. Collection method: clinical testing. Allele origin: germline. Affected: yes. Observed: 1 variant allele.

Literature cited by the submitters: PubMed 27696112 (cited by Molecular Diagnostics Laboratory, M Health Fairview: University of Minnesota).